The following is an entry in ClinVar:

NM_017775.4(TTC19):c.100G>A (p.Gly34Arg)

Genes: TTC19 (tetratricopeptide repeat domain 19; plus strand), LOC130060311 (ATAC-STARR-seq lymphoblastoid silent region 8214; plus strand). Cytogenetic location: 17p12.
Variant type: single nucleotide variant.
Coding change: c.100G>A on transcript NM_017775.4 (MANE Select); coding-DNA position 100, G replaced by A.
Protein change: p.Gly34Arg; replaces glycine 34 with arginine.
Molecular consequence: missense variant. On other transcripts: 5 prime UTR variant (1).
Genome position (GRCh38, 1-based): chr17:15,999,948, G>A. VCF-style: chr17-15999948-G-A. GRCh37 (hg19) VCF-style: chr17-15903262-G-A.
Other names: c.-359G>A (NM_001271420.2); short protein forms G34R.
Identifiers: ClinVar variation 2008654 (VCV002008654.4), dbSNP rs2549918606, ClinGen allele CA398382370.

ClinVar aggregate classification (germline): Uncertain significance (1 of 4 stars; one submission).

Submission:

Labcorp Genetics (formerly Invitae), Labcorp
Classification: Uncertain significance. Last evaluated: 2023-10-09. Review status: criteria provided, single submitter. Criteria: Invitae Variant Classification Sherloc (09022015). Collection method: clinical testing. Allele origin: germline.
Comment: This sequence change replaces glycine, which is neutral and non-polar, with arginine, which is basic and polar, at codon 34 of the TTC19 protein (p.Gly34Arg). This variant is not present in population databases (gnomAD no frequency). This variant has not been reported in the literature in individuals affected with TTC19-related conditions. ClinVar contains an entry for this variant (Variation ID: 2008654). Experimental studies and prediction algorithms are not available or were not evaluated, and the functional significance of this variant is currently unknown. In summary, the available evidence is currently insufficient to determine the role of this variant in disease. Therefore, it has been classified as a Variant of Uncertain Significance.